The following is an entry in ClinVar:

NM_003467.3(CXCR4):c.16-14T>A

Gene: CXCR4 (C-X-C motif chemokine receptor 4; minus strand). Cytogenetic location: 2q22.1.
Variant type: single nucleotide variant.
Coding change: c.16-14T>A on transcript NM_003467.3 (MANE Select); 14 bases into the intron before coding-DNA position 16, T replaced by A.
Molecular consequence: intron variant. On other transcripts: nonsense (1).
Genome position (GRCh38, 1-based): chr2:136,115,926, A>T on the plus strand (T>A on the coding strand, the complement: CXCR4 is on the minus strand). VCF-style: chr2-136115926-A-T. GRCh37 (hg19) VCF-style: chr2-136873496-A-T.
Other names: c.14T>A, p.Leu5Ter (NM_001008540.2); c.115-14T>A (NM_001348059.2); c.229-14T>A (NM_001348056.2); c.-30-14T>A (NM_001348060.2); short protein forms L5*.
Identifiers: ClinVar variation 429465 (VCV000429465.9), dbSNP rs1053292586, ClinGen allele CA56886596.

ClinVar aggregate classification (germline): Conflicting classifications of pathogenicity. Review status: criteria provided, conflicting classifications (1 of 4 stars). 3 submissions from 3 submitters: Uncertain significance (2); Benign (1). Last evaluated 2025-05-05.

Conditions:
Warts, hypogammaglobulinemia, infections, and myelokathexis. Also called: WHIM syndrome. Identifiers: MedGen C0472817, MONDO:0023880.

Allele frequency attached by ClinVar (database versions not stated): gnomAD exomes below 0.00001; gnomAD 0.00008; TOPMed 0.00009.
gnomAD v4.1: 14 of 1,614,110 alleles (0.00087%); highest among the groups gnomAD compares: Non-Finnish European, 0.000085%; no homozygotes.

Submissions (3):

Labcorp Genetics (formerly Invitae), Labcorp
Classification: Benign for Warts, hypogammaglobulinemia, infections, and myelokathexis. Last evaluated: 2025-05-05. Review status: criteria provided, single submitter. Criteria: Invitae Variant Classification Sherloc (09022015). Collection method: clinical testing. Allele origin: germline.

Blueprint Genetics
Classification: Uncertain significance. Last evaluated: 2022-11-15. Review status: criteria provided, single submitter. Criteria: ACMG Guidelines, 2015. Collection method: clinical testing. Allele origin: germline.

GeneDx
Classification: Uncertain significance. Last evaluated: 2019-10-02. Review status: criteria provided, single submitter. Criteria: GeneDx Variant Classification Process June 2021. Collection method: clinical testing. Allele origin: germline. Affected: yes.
Comment: This variant is associated with the following publications: (PMID: 27005825)